The following is an entry in ClinVar:

ClinVar aggregate classification (germline): Uncertain significance (1 of 4 stars; one submission).

Conditions:
Early-infantile DEE. Also called: Early infantile epileptic encephalopathy; Ohtahara syndrome; Early infantile epileptic encephalopathy with suppression bursts. Identifiers: Orphanet 1934, MedGen C0393706, MONDO:0800491.

Submission:

Labcorp Genetics (formerly Invitae), Labcorp
Classification: Uncertain significance for Early-infantile DEE. Last evaluated: 2024-06-02. Review status: criteria provided, single submitter. Criteria: Invitae Variant Classification Sherloc (09022015). Collection method: clinical testing. Allele origin: germline.
Comment: This sequence change replaces alanine, which is neutral and non-polar, with threonine, which is neutral and polar, at codon 461 of the SCN1A protein (p.Ala461Thr). This variant is not present in population databases (gnomAD no frequency). This variant has not been reported in the literature in individuals affected with SCN1A-related conditions. Advanced modeling of protein sequence and biophysical properties (such as structural, functional, and spatial information, amino acid conservation, physicochemical variation, residue mobility, and thermodynamic stability) performed at Invitae indicates that this missense variant is not expected to disrupt SCN1A protein function with a negative predictive value of 95%. In summary, the available evidence is currently insufficient to determine the role of this variant in disease. Therefore, it has been classified as a Variant of Uncertain Significance.

NM_001165963.4(SCN1A):c.1381G>A (p.Ala461Thr)

Gene: SCN1A (sodium voltage-gated channel alpha subunit 1; minus strand). Cytogenetic location: 2q24.3.
Variant type: single nucleotide variant.
Coding change: c.1381G>A on transcript NM_001165963.4 (MANE Select); coding-DNA position 1381, G replaced by A.
Protein change: p.Ala461Thr; replaces alanine 461 with threonine.
Molecular consequence: missense variant. On other transcripts: 5 prime UTR variant (1), non-coding transcript variant (1).
Genome position (GRCh38, 1-based): chr2:166,045,324, C>T on the plus strand (G>A on the coding strand, the complement: SCN1A is on the minus strand). VCF-style: chr2-166045324-C-T. GRCh37 (hg19) VCF-style: chr2-166901834-C-T.
Other names: c.1381G>A, p.Ala461Thr (NM_001165964.3, NM_001202435.3, NM_001353948.2 and 7 more transcripts); c.1378G>A, p.Ala460Thr (NM_001353954.2, NM_001353955.2, NM_001353960.2); c.-1045G>A (NM_001353961.2); short protein forms A460T, A461T.
Identifiers: ClinVar variation 3616656 (VCV003616656.2).